The following is an entry in ClinVar:

ClinVar aggregate classification (germline): Uncertain significance (1 of 4 stars; one submission).

Submission:

Labcorp Genetics (formerly Invitae), Labcorp
Classification: Uncertain significance. Last evaluated: 2022-08-22. Review status: criteria provided, single submitter. Criteria: Invitae Variant Classification Sherloc (09022015). Collection method: clinical testing. Allele origin: germline.
Comment: This variant is not present in population databases (gnomAD no frequency). This sequence change replaces asparagine, which is neutral and polar, with serine, which is neutral and polar, at codon 439 of the PDE6B protein (p.Asn439Ser). This variant has not been reported in the literature in individuals affected with PDE6B-related conditions. In summary, the available evidence is currently insufficient to determine the role of this variant in disease. Therefore, it has been classified as a Variant of Uncertain Significance. Algorithms developed to predict the effect of missense changes on protein structure and function are either unavailable or do not agree on the potential impact of this missense change (SIFT: "Deleterious"; PolyPhen-2: "Probably Damaging"; Align-GVGD: "Class C0"). ClinVar contains an entry for this variant (Variation ID: 1386574).

NM_000283.4(PDE6B):c.1316A>G (p.Asn439Ser)

Gene: PDE6B (phosphodiesterase 6B; plus strand). Cytogenetic location: 4p16.3.
Variant type: single nucleotide variant.
Coding change: c.1316A>G on transcript NM_000283.4 (MANE Select); coding-DNA position 1316, A replaced by G.
Protein change: p.Asn439Ser; replaces asparagine 439 with serine.
Molecular consequence: missense variant.
Genome position (GRCh38, 1-based): chr4:657,409, A>G. VCF-style: chr4-657409-A-G. GRCh37 (hg19) VCF-style: chr4-651198-A-G.
Other names: c.1316A>G, p.Asn439Ser (NM_001145291.2); c.479A>G, p.Asn160Ser (NM_001145292.2, NM_001350154.3, NM_001379246.1 and 1 more transcripts); c.161A>G, p.Asn54Ser (NM_001350155.3); short protein forms N160S, N439S, N54S.
Identifiers: ClinVar variation 1386574 (VCV001386574.6), dbSNP rs2109218320, ClinGen allele CA355913939.